The following is an entry in ClinVar:

NM_001036.6(RYR3):c.4396-5C>T

Gene: RYR3 (ryanodine receptor 3; plus strand). Cytogenetic location: 15q14.
Variant type: single nucleotide variant.
Coding change: c.4396-5C>T on transcript NM_001036.6 (MANE Select); 5 bases into the intron before coding-DNA position 4396, C replaced by T.
Molecular consequence: intron variant.
Genome position (GRCh38, 1-based): chr15:33,660,192, C>T. VCF-style: chr15-33660192-C-T. GRCh37 (hg19) VCF-style: chr15-33952393-C-T.
Other names: c.4396-5C>T (NM_001243996.4).
Identifiers: ClinVar variation 2672582 (VCV002672582.23), dbSNP rs1032942532, ClinGen allele CA268542198.

ClinVar aggregate classification (germline): Uncertain significance (1 of 4 stars; one submission).

Allele frequency attached by ClinVar (database versions not stated): gnomAD exomes 0.00001.
gnomAD v4.1: 15 of 1,548,006 alleles (0.00097%); highest among the groups gnomAD compares: Non-Finnish European, 0.0013%; no homozygotes.

Submission:

CeGaT Center for Human Genetics Tuebingen
Classification: Uncertain significance. Last evaluated: 2023-11-01. Review status: criteria provided, single submitter. Criteria: CeGaT Center For Human Genetics Tuebingen Variant Classification Criteria Version 2. Collection method: clinical testing. Allele origin: germline. Affected: yes. Observed: 1 variant allele.
Comment: RYR3: PM2, BP4